The following is an entry in ClinVar:

ClinVar aggregate classification (germline): Uncertain significance (1 of 4 stars; one submission).

Conditions:
Inborn genetic diseases. Identifiers: MedGen C0950123, MeSH D030342.

Submission:

Ambry Genetics
Classification: Uncertain significance for Inborn genetic diseases. Last evaluated: 2026-07-26. Review status: criteria provided, single submitter. Criteria: Ambry Variant Classification Scheme 2023. Collection method: clinical testing. Allele origin: germline.
Comment: The p.I614T variant (also known as c.1841T>C), located in coding exon 1 of the SAMD9 gene, results from a T to C substitution at nucleotide position 1841. The isoleucine at codon 614 is replaced by threonine, an amino acid with similar properties. This amino acid position is conserved. In addition, the in silico prediction for this alteration is inconclusive. Based on the available evidence, the clinical significance of this variant remains unclear.

NM_017654.4(SAMD9):c.1841T>C (p.Ile614Thr)

Gene: SAMD9 (sterile alpha motif domain containing 9; minus strand). Cytogenetic location: 7q21.2.
Variant type: single nucleotide variant.
Coding change: c.1841T>C on transcript NM_017654.4 (MANE Select); coding-DNA position 1841, T replaced by C.
Protein change: p.Ile614Thr; replaces isoleucine 614 with threonine.
Molecular consequence: missense variant.
Genome position (GRCh38, 1-based): chr7:93,104,257, A>G on the plus strand (T>C on the coding strand, the complement: SAMD9 is on the minus strand). VCF-style: chr7-93104257-A-G. GRCh37 (hg19) VCF-style: chr7-92733570-A-G.
Other names: c.1841T>C, p.Ile614Thr (NM_001193307.2); short protein forms I614T.
Identifiers: ClinVar variation 5028771 (VCV005028771.1).